The following is an entry in ClinVar:

NM_017780.4(CHD7):c.1576C>T (p.Gln526Ter)

Gene: CHD7 (chromodomain helicase DNA binding protein 7; plus strand). Cytogenetic location: 8q12.2.
Variant type: single nucleotide variant.
Coding change: c.1576C>T on transcript NM_017780.4 (MANE Select); coding-DNA position 1576, C replaced by T.
Protein change: p.Gln526Ter; replaces glutamine 526 with a stop codon.
Molecular consequence: nonsense.
Genome position (GRCh38, 1-based): chr8:60,743,008, C>T. VCF-style: chr8-60743008-C-T. GRCh37 (hg19) VCF-style: chr8-61655567-C-T.
Other names: c.1576C>T, p.Gln526Ter (NM_001316690.1); short protein forms Q526*.
Identifiers: ClinVar variation 3903157 (VCV003903157.1).
Genomic context (GRCh38, chr8:60,743,008, plus strand): 5'-CCATCTTTTCAGCAGTTGCCAACCTGTCCTCCACTGCAGCCTCACCCGGGCTTGCACCAC[C>T]AGTCTTCACCTCCACACCCTCATCACCAGCCTTGGGCACAGCTCCACCCATCACCCCAGA-3'

ClinVar aggregate classification (germline): Pathogenic (1 of 4 stars; one submission).

Submission:

GeneDx
Classification: Pathogenic. Last evaluated: 2024-12-13. Review status: criteria provided, single submitter. Criteria: GeneDx Variant Classification Process June 2021. Collection method: clinical testing. Allele origin: germline. Affected: yes.
Comment: Nonsense variant predicted to result in protein truncation or nonsense mediated decay in a gene for which loss of function is a known mechanism of disease; Has been reported previously in association with features suggestive of CHARGE syndrome (PMID: 21158681); Not observed at significant frequency in large population cohorts (gnomAD); This variant is associated with the following publications: (PMID: 25525159, 21158681)